The following is an entry in ClinVar:

NM_001082486.2(ACD):c.1340T>C (p.Met447Thr)

Gene: ACD (ACD shelterin complex subunit and telomerase recruitment factor; minus strand). Cytogenetic location: 16q22.1.
Variant type: single nucleotide variant.
Coding change: c.1340T>C on transcript NM_001082486.2 (MANE Select); coding-DNA position 1340, T replaced by C.
Protein change: p.Met447Thr; replaces methionine 447 with threonine.
Molecular consequence: missense variant.
Genome position (GRCh38, 1-based): chr16:67,657,643, A>G on the plus strand (T>C on the coding strand, the complement: ACD is on the minus strand). VCF-style: chr16-67657643-A-G. GRCh37 (hg19) VCF-style: chr16-67691546-A-G.
Other names: c.1253T>C, p.Met418Thr (NM_001410884.1); c.1331T>C, p.Met444Thr (NM_022914.3); short protein forms M444T, M418T, M447T.
Identifiers: ClinVar variation 1776047 (VCV001776047.2), dbSNP rs2543595743, ClinGen allele CA396349611.

ClinVar aggregate classification (germline): Uncertain significance (1 of 4 stars; one submission).

Conditions:
Inborn genetic diseases. Identifiers: MedGen C0950123, MeSH D030342.

Allele frequency attached by ClinVar (database versions not stated): gnomAD exomes below 0.00001.
gnomAD v4.1: 2 of 1,614,182 alleles (0.00012%); highest among the groups gnomAD compares: Non-Finnish European, 0.00017%; no homozygotes.

Submission:

Ambry Genetics
Classification: Uncertain significance for Inborn genetic diseases. Last evaluated: 2022-09-20. Review status: criteria provided, single submitter. Criteria: Ambry Variant Classification Scheme 2023. Collection method: clinical testing. Allele origin: germline.
Comment: The p.M533T variant (also known as c.1598T>C), located in coding exon 12 of the ACD gene, results from a T to C substitution at nucleotide position 1598. The methionine at codon 533 is replaced by threonine, an amino acid with similar properties. This amino acid position is conserved. In addition, this alteration is predicted to be tolerated by in silico analysis. Since supporting evidence is limited at this time, the clinical significance of this alteration remains unclear.